The following is an entry in ClinVar:

ClinVar aggregate classification (germline): Uncertain significance. Review status: criteria provided, multiple submitters, no conflicts (2 of 4 stars). 3 submissions from 3 submitters: Uncertain significance (3). Last evaluated 2026-09-09.

Conditions:
SCLT1-related disorder. Also called: SCLT1-related condition.

Allele frequency attached by ClinVar (database versions not stated): ExAC 0.00001; gnomAD exomes 0.00001; TOPMed 0.00002; gnomAD 0.00003.
gnomAD v4.1: 30 of 1,601,582 alleles (0.0019%); highest among the groups gnomAD compares: East Asian, 0.0045%; no homozygotes.

Submissions (3):

PreventionGenetics, part of Exact Sciences
Classification: Uncertain significance for SCLT1-related condition. Last evaluated: 2026-09-09. Review status: criteria provided, single submitter. Criteria: ACMG Guidelines, 2015. Collection method: clinical testing. Allele origin: germline.
Comment: The SCLT1 c.1082T>G variant is predicted to result in the amino acid substitution p.Ile361Arg. To our knowledge, this variant has not been reported in the literature. This variant is reported in 0.0056% of alleles in individuals of East Asian descent in gnomAD. At this time, the clinical significance of this variant is uncertain due to the absence of conclusive functional and genetic evidence.

Labcorp Genetics (formerly Invitae), Labcorp
Classification: Uncertain significance. Last evaluated: 2021-11-12. Review status: criteria provided, single submitter. Criteria: Invitae Variant Classification Sherloc (09022015). Collection method: clinical testing. Allele origin: germline.
Comment: Algorithms developed to predict the effect of missense changes on protein structure and function output the following: SIFT: "Tolerated"; PolyPhen-2: "Benign"; Align-GVGD: "Class C0". The arginine amino acid residue is found in multiple mammalian species, which suggests that this missense change does not adversely affect protein function. In summary, the available evidence is currently insufficient to determine the role of this variant in disease. Therefore, it has been classified as a Variant of Uncertain Significance. This variant has not been reported in the literature in individuals affected with SCLT1-related conditions. This variant is present in population databases (rs772529142, gnomAD 0.006%). This sequence change replaces isoleucine, which is neutral and non-polar, with arginine, which is basic and polar, at codon 361 of the SCLT1 protein (p.Ile361Arg).

Ambry Genetics
Classification: Uncertain significance. Last evaluated: 2021-10-06. Review status: criteria provided, single submitter. Criteria: Ambry Variant Classification Scheme 2023. Collection method: clinical testing. Allele origin: germline.

NM_144643.4(SCLT1):c.1082T>G (p.Ile361Arg)

Gene: SCLT1 (sodium channel and clathrin linker 1; minus strand). Cytogenetic location: 4q28.2.
Variant type: single nucleotide variant.
Coding change: c.1082T>G on transcript NM_144643.4 (MANE Select); coding-DNA position 1082, T replaced by G.
Protein change: p.Ile361Arg; replaces isoleucine 361 with arginine.
Molecular consequence: missense variant.
Genome position (GRCh38, 1-based): chr4:128,957,090, A>C on the plus strand (T>G on the coding strand, the complement: SCLT1 is on the minus strand). VCF-style: chr4-128957090-A-C. GRCh37 (hg19) VCF-style: chr4-129878245-A-C.
Other names: c.1082T>G (NM_144643.2, NM_144643.3); short protein forms I361R.
Identifiers: ClinVar variation 1519444 (VCV001519444.6), dbSNP rs772529142, ClinGen allele CA3079743.